The following is an entry in ClinVar:

ClinVar aggregate classification (germline): Likely pathogenic (1 of 4 stars; one submission).

Conditions:
Dilated cardiomyopathy 1G (CMD1G). Identifiers: Orphanet 154, MedGen C1858763, MONDO:0011400, OMIM 604145.
Autosomal recessive limb-girdle muscular dystrophy type 2J (LGMDR10). Also called: Limb-girdle muscular dystrophy, type 2J; MUSCULAR DYSTROPHY, LIMB-GIRDLE, AUTOSOMAL RECESSIVE 10. Identifiers: Orphanet 140922, MedGen C1837342, MONDO:0012127, OMIM 608807.

Submission:

Labcorp Genetics (formerly Invitae), Labcorp
Classification: Likely pathogenic for Dilated cardiomyopathy 1G; Autosomal recessive limb-girdle muscular dystrophy type 2J. Last evaluated: 2024-10-18. Review status: criteria provided, single submitter. Criteria: Invitae Variant Classification Sherloc (09022015). Collection method: clinical testing. Allele origin: germline.
Comment: This sequence change affects a donor splice site in intron 251 of the TTN gene. It is expected to disrupt RNA splicing and likely results in a truncated or disrupted TTN protein. This variant is not present in population databases (gnomAD no frequency). This variant has not been reported in the literature in individuals affected with TTN-related conditions. Algorithms developed to predict the effect of sequence changes on RNA splicing suggest that this variant may disrupt the consensus splice site. This variant is located in the I band of TTN (PMID: 25589632). Truncating variants in this region have been reported in individuals affected with autosomal recessive centronuclear myopathy (PMID: 23975875, internal data). Truncating variants in this region have also been identified in individuals affected with autosomal dominant dilated cardiomyopathy and/or cardio-related conditions (PMID: 27869827, 32964742, internal data). In summary, the currently available evidence indicates that the variant is pathogenic, but additional data are needed to prove that conclusively. Therefore, this variant has been classified as Likely Pathogenic.

Literature cited by the submitters: PubMed 25589632; PubMed 23975875; PubMed 27869827; PubMed 32964742.

NM_001267550.2(TTN):c.46966+1G>A

Genes: TTN (titin; minus strand), TTN-AS1 (TTN antisense RNA 1; plus strand). Cytogenetic location: 2q31.2.
Variant type: single nucleotide variant.
Coding change: c.46966+1G>A on transcript NM_001267550.2 (MANE Select); the canonical splice donor site of the intron after coding-DNA position 46966, G replaced by A.
Molecular consequence: splice donor variant.
Genome position (GRCh38, 1-based): chr2:178,618,583, C>T on the plus strand (G>A on the coding strand, the complement: TTN is on the minus strand). VCF-style: chr2-178618583-C-T. GRCh37 (hg19) VCF-style: chr2-179483310-C-T.
Other names: c.19771+1G>A (NM_003319.4); c.20347+1G>A (NM_133437.4); c.20146+1G>A (NM_133432.3); c.39262+1G>A (NM_133378.4); c.42043+1G>A (NM_001256850.1).
Identifiers: ClinVar variation 2948919 (VCV002948919.3), dbSNP rs2470908789, ClinGen allele CA349621088.